The following is an entry in ClinVar:

ClinVar aggregate classification (germline): Uncertain significance (1 of 4 stars; one submission).

Conditions:
RYR1-related disorder. Also called: RYR1-related condition; RYR1-related disorders. Identifiers: MedGen CN239331.

Submission:

Labcorp Genetics (formerly Invitae), Labcorp
Classification: Uncertain significance for RYR1-related disorder. Last evaluated: 2024-01-26. Review status: criteria provided, single submitter. Criteria: Invitae Variant Classification Sherloc (09022015). Collection method: clinical testing. Allele origin: germline.
Comment: This sequence change replaces glutamic acid, which is acidic and polar, with aspartic acid, which is acidic and polar, at codon 3736 of the RYR1 protein (p.Glu3736Asp). This variant is not present in population databases (gnomAD no frequency). This variant has not been reported in the literature in individuals affected with RYR1-related conditions. Advanced modeling of protein sequence and biophysical properties (such as structural, functional, and spatial information, amino acid conservation, physicochemical variation, residue mobility, and thermodynamic stability) has been performed at Invitae for this missense variant, however the output from this modeling did not meet the statistical confidence thresholds required to predict the impact of this variant on RYR1 protein function. In summary, the available evidence is currently insufficient to determine the role of this variant in disease. Therefore, it has been classified as a Variant of Uncertain Significance.

NM_000540.3(RYR1):c.11208G>T (p.Glu3736Asp)

Gene: RYR1 (ryanodine receptor 1; plus strand). Cytogenetic location: 19q13.2.
Variant type: single nucleotide variant.
Coding change: c.11208G>T on transcript NM_000540.3 (MANE Select); coding-DNA position 11208, G replaced by T.
Protein change: p.Glu3736Asp; replaces glutamic acid 3736 with aspartic acid.
Molecular consequence: missense variant.
Genome position (GRCh38, 1-based): chr19:38,532,685, G>T. VCF-style: chr19-38532685-G-T. GRCh37 (hg19) VCF-style: chr19-39023325-G-T.
Other names: c.11193G>T, p.Glu3731Asp (NM_001042723.2); short protein forms E3731D, E3736D.
Identifiers: ClinVar variation 3633510 (VCV003633510.2).
Genomic context (GRCh38, chr19:38,532,685, plus strand): 5'-GGAGGGGTCTGCTTTGTTCATCCCTTAACTGATGCCCCCTCCCCAGAGCTGCCACCTGGA[G>T]GAGGGAGGGGAGAACGGTGAAGCTGAAGAGGAGGTTGAGGTCTCCTTTGAGGTAGGTGGG-3'
Protein context (NP_000531.2, residues 3726-3746): ADIMAKSCHL[Glu3736Asp]EGGENGEAEE